The following is an entry in ClinVar:

NM_001953.5(TYMP):c.858G>A (p.Glu286=)

Gene: TYMP (thymidine phosphorylase; minus strand). Cytogenetic location: 22q13.33.
Variant type: single nucleotide variant.
Coding change: c.858G>A on transcript NM_001953.5 (MANE Select); coding-DNA position 858, G replaced by A.
Protein change: p.Glu286=; no amino-acid change (glutamic acid 286 retained).
Molecular consequence: synonymous variant.
Genome position (GRCh38, 1-based): chr22:50,526,646, C>T on the plus strand (G>A on the coding strand, the complement: TYMP is on the minus strand). VCF-style: chr22-50526646-C-T. GRCh37 (hg19) VCF-style: chr22-50965075-C-T.
Other names: c.858G>A, p.Glu286= (LRG_727t1, LRG_727t2, NM_001113755.3 and 3 more transcripts); c.858G>A (NM_001953.3).
Identifiers: ClinVar variation 342145 (VCV000342145.41), dbSNP rs372421189, ClinGen allele CA10321549.

ClinVar aggregate classification (germline): Conflicting classifications of pathogenicity. Review status: criteria provided, conflicting classifications (1 of 4 stars). 7 submissions from 7 submitters: Uncertain significance (1); Benign (1); Likely benign (3). 2 of the submissions do not count toward it. Last evaluated 2026-08-01.

Conditions:
Mitochondrial neurogastrointestinal encephalomyopathy. Also called: MNGIE syndrome; Thymidine phosphorylase deficiency; Mitochondrial neurogastrointestinal encephalopathy syndrome. Identifiers: Orphanet 298, MedGen C0872218, MONDO:0017575.
TYMP-related disorder. Also called: TYMP-related condition.
Mitochondrial DNA depletion syndrome 1. Also called: Mitochondrial neurogastrointestinal encephalomyopathy syndrome; Mitochondrial DNA Depletion Syndrome, MNGIE Form; Mitochondrial Neurogastrointestinal Encephalopathy Disease; Mitochondrial DNA depletion syndrome 1 (MNGIE type); POLIP SYNDROME; POLYNEUROPATHY, OPHTHALMOPLEGIA, LEUKOENCEPHALOPATHY, AND INTESTINAL PSEUDOOBSTRUCTION. Identifiers: Orphanet 298, MedGen C4551995, MONDO:0011283, OMIM 603041.

Allele frequency attached by ClinVar (database versions not stated): ESP Exome Variant Server 0.00016; gnomAD exomes 0.00019 and 0.00055; ExAC 0.00021; TOPMed 0.00035; gnomAD 0.00036 and 0.00037.

Submissions (7):

CeGaT Center for Human Genetics Tuebingen
Classification: Likely benign. Last evaluated: 2026-08-01. Review status: criteria provided, single submitter. Criteria: CeGaT Center For Human Genetics Tuebingen Variant Classification Criteria Version 2. Collection method: clinical testing. Allele origin: germline. Affected: yes. Observed: 2 variant alleles.
Comment: TYMP: BP4, BP7

Labcorp Genetics (formerly Invitae), Labcorp
Classification: Likely benign. Last evaluated: 2026-01-26. Review status: criteria provided, single submitter. Criteria: Invitae Variant Classification Sherloc (09022015). Collection method: clinical testing. Allele origin: germline.

Blueprint Genetics
Classification: Likely benign. Last evaluated: 2024-06-17. Review status: criteria provided, single submitter. Criteria: ACMG Guidelines, 2015. Collection method: clinical testing. Allele origin: germline.

Illumina Laboratory Services, Illumina
Classification: Uncertain significance for Mitochondrial DNA depletion syndrome 1. Last evaluated: 2018-01-13. Review status: criteria provided, single submitter. Criteria: ICSL Variant Classification Criteria 13 December 2019. Collection method: clinical testing. Allele origin: germline.

GeneDx
Classification: Benign. Last evaluated: 2015-03-03. Review status: criteria provided, single submitter. Criteria: GeneDx Variant Classification Process June 2021. Collection method: clinical testing. Allele origin: germline. Affected: yes.

PreventionGenetics, part of Exact Sciences
Classification: Likely benign for TYMP-related condition. Last evaluated: 2019-11-20. Review status: no assertion criteria provided. Collection method: clinical testing. Allele origin: germline. Not counted in ClinVar's aggregate classification.
Comment: This variant is classified as likely benign based on ACMG/AMP sequence variant interpretation guidelines (Richards et al. 2015 PMID: 25741868, with internal and published modifications).

Natera, Inc.
Classification: Uncertain significance for Mitochondrial neurogastrointestinal encephalomyopathy. Last evaluated: 2019-11-11. Review status: no assertion criteria provided. Collection method: clinical testing. Allele origin: germline. Not counted in ClinVar's aggregate classification.